The following is an entry in ClinVar:

ClinVar aggregate classification (germline): Uncertain significance (1 of 4 stars; one submission).

gnomAD v4.1: 11 of 310,960 alleles (0.0035%); highest among the groups gnomAD compares: Non-Finnish European, 0.0062%; no homozygotes.

Submission:

CeGaT Center for Human Genetics Tuebingen
Classification: Uncertain significance. Last evaluated: 2026-09-01. Review status: criteria provided, single submitter. Criteria: CeGaT Center For Human Genetics Tuebingen Variant Classification Criteria Version 2. Collection method: clinical testing. Allele origin: germline. Affected: yes. Observed: 3 variant alleles.
Comment: PAH: PM2, PM3, PP4:Moderate, BP4

NM_000277.3(PAH):c.706+387T>C

Gene: PAH (phenylalanine hydroxylase; minus strand). Cytogenetic location: 12q23.2.
Variant type: single nucleotide variant.
Coding change: c.706+387T>C on transcript NM_000277.3 (MANE Select); 387 bases into the intron after coding-DNA position 706, T replaced by C.
Molecular consequence: intron variant.
Genome position (GRCh38, 1-based): chr12:102,854,749, A>G on the plus strand (T>C on the coding strand, the complement: PAH is on the minus strand). VCF-style: chr12-102854749-A-G. GRCh37 (hg19) VCF-style: chr12-103248527-A-G.
Other names: c.706+387T>C (NM_001354304.2).
Identifiers: ClinVar variation 3771826 (VCV003771826.13).